The following is an entry in ClinVar:

NM_001384732.1(CPLANE1):c.5872dup (p.Met1958fs)

Gene: CPLANE1 (ciliogenesis and planar polarity effector complex subunit 1; minus strand). Cytogenetic location: 5p13.2.
Variant type: Duplication.
Coding change: c.5872dup on transcript NM_001384732.1 (MANE Select); coding-DNA position 5872, one base duplicated (A; older notation c.5872dupA).
Protein change: p.Met1958fs; shifts the reading frame from methionine 1958.
Molecular consequence: frameshift variant.
Genome position (GRCh38, 1-based): chr5:37,177,649, T duplicated on the plus strand (A on the coding strand, the reverse complement: CPLANE1 is on the minus strand). VCF-style (leftmost placement, unchanged base first): chr5-37177648-A-AT. GRCh37 (hg19) VCF-style: chr5-37177750-A-AT.
Other names: c.5872dup, p.Met1958fs (NM_023073.4); c.5872dup (NM_023073.3); short protein forms M1958fs.
Identifiers: ClinVar variation 2971656 (VCV002971656.4), dbSNP rs2547728684, ClinGen allele CA2740091716.

ClinVar aggregate classification (germline): Pathogenic/Likely pathogenic. Review status: criteria provided, multiple submitters, no conflicts (2 of 4 stars). 2 submissions from 2 submitters: Pathogenic (1); Likely pathogenic (1). Last evaluated 2024-03-25.

Conditions:
Orofaciodigital syndrome type 6 (OFD6). Also called: OROFACIODIGITAL SYNDROME VI; OFDS VI; POLYDACTYLY, CLEFT LIP/PALATE OR LINGUAL LUMP, AND PSYCHOMOTOR RETARDATION; VARADI SYNDROME; VARADI-PAPP SYNDROME; Oral-facial-digital syndrome type 6. Identifiers: Orphanet 2754, MedGen C2745997, MONDO:0010176, OMIM 277170.
Joubert syndrome 17 (JBTS17). Identifiers: Orphanet 475, MedGen C3553264, MONDO:0013824, OMIM 614615.

Submissions (2):

Fulgent Genetics
Classification: Likely pathogenic for Orofaciodigital syndrome type 6; Joubert syndrome 17. Last evaluated: 2024-03-25. Review status: criteria provided, single submitter. Criteria: ACMG Guidelines, 2015. Collection method: clinical testing. Allele origin: germline.

Labcorp Genetics (formerly Invitae), Labcorp
Classification: Pathogenic. Last evaluated: 2022-11-04. Review status: criteria provided, single submitter. Criteria: Invitae Variant Classification Sherloc (09022015). Collection method: clinical testing. Allele origin: germline.
Comment: For these reasons, this variant has been classified as Pathogenic. This variant has not been reported in the literature in individuals affected with CPLANE1-related conditions. This variant is not present in population databases (gnomAD no frequency). This sequence change creates a premature translational stop signal (p.Met1958Asnfs*7) in the CPLANE1 gene. It is expected to result in an absent or disrupted protein product. Loss-of-function variants in CPLANE1 are known to be pathogenic (PMID: 24178751, 26092869).

Literature cited by the submitters: PubMed 24178751 (cited by Labcorp Genetics (formerly Invitae), Labcorp); PubMed 26092869 (cited by Labcorp Genetics (formerly Invitae), Labcorp).